The following is an entry in ClinVar:

ClinVar aggregate classification (germline): Uncertain significance (1 of 4 stars; one submission).

Allele frequency attached by ClinVar (database versions not stated): gnomAD exomes below 0.00001.
gnomAD v4.1: 1 of 1,206,510 alleles (0.000083%); highest among the groups gnomAD compares: Non-Finnish European, 0.00011%; no homozygotes.

Submission:

Labcorp Genetics (formerly Invitae), Labcorp
Classification: Uncertain significance. Last evaluated: 2022-05-20. Review status: criteria provided, single submitter. Criteria: Invitae Variant Classification Sherloc (09022015). Collection method: clinical testing. Allele origin: germline.
Comment: In summary, the available evidence is currently insufficient to determine the role of this variant in disease. Therefore, it has been classified as a Variant of Uncertain Significance. Algorithms developed to predict the effect of missense changes on protein structure and function are either unavailable or do not agree on the potential impact of this missense change (SIFT: "Tolerated"; PolyPhen-2: "Possibly Damaging"; Align-GVGD: "Class C0"). This variant has not been reported in the literature in individuals affected with CHM-related conditions. This variant is not present in population databases (gnomAD no frequency). This sequence change replaces glutamic acid, which is acidic and polar, with alanine, which is neutral and non-polar, at codon 84 of the CHM protein (p.Glu84Ala).

NM_000390.4(CHM):c.251A>C (p.Glu84Ala)

Gene: CHM (CHM Rab escort protein; minus strand). Cytogenetic location: Xq21.2.
Variant type: single nucleotide variant.
Coding change: c.251A>C on transcript NM_000390.4 (MANE Select); coding-DNA position 251, A replaced by C.
Protein change: p.Glu84Ala; replaces glutamic acid 84 with alanine.
Molecular consequence: missense variant. On other transcripts: 5 prime UTR variant (4).
Genome position (GRCh38, 1-based): chrX:85,978,830, T>G on the plus strand (A>C on the coding strand, the complement: CHM is on the minus strand). VCF-style: chrX-85978830-T-G. GRCh37 (hg19) VCF-style: chrX-85233834-T-G.
Other names: c.251A>C, p.Glu84Ala (NM_001145414.4); c.-194A>C (NM_001320959.1, NM_001362517.1); c.-190A>C (NM_001362518.2, NM_001362519.1); short protein forms E84A.
Identifiers: ClinVar variation 1996697 (VCV001996697.4), dbSNP rs2520318451, ClinGen allele CA413787972.
Genomic context (GRCh38, chrX:85,978,830, plus strand): 5'-GCATAACAAAATACTTCCACATGTTGAATAGTTTTGTCCTTCCTGCTAAGAGCAATGGCT[T>G]CTTCATTTTCAAGGATCTGGTCTTGCCACACTGGACTGTCACTTACAATGTCACTGTTTT-3'
Protein context (NP_000381.1, residues 74-94): VWQDQILENE[Glu84Ala]AIALSRKDKT